The following is an entry in ClinVar:

ClinVar aggregate classification (germline): Likely pathogenic. Review status: reviewed by expert panel (3 of 4 stars). 4 submissions from 4 submitters: Likely pathogenic (1). 3 of the submissions do not count toward it. Last evaluated 2023-02-18.

Conditions:
Familial adenomatous polyposis 1 (FAP1). Also called: POLYPOSIS, ADENOMATOUS INTESTINAL; FAMILIAL ADENOMATOUS POLYPOSIS 1, ATTENUATED. Identifiers: MedGen C2713442, MONDO:0021056, OMIM 175100. Disease mechanism: loss of function.

Submissions (4):

ClinGen InSiGHT Hereditary Colorectal Cancer/Polyposis Variant Curation Expert Panel
Classification: Likely pathogenic for Familial adenomatous polyposis 1. Last evaluated: 2023-02-18. Review status: reviewed by expert panel. Criteria: ClinGen InSiGHT HCCP VCEP ACMG Specifications APC V1. Collection method: curation. Allele origin: germline. Inheritance: Autosomal dominant inheritance.
Comment: The c.1240del (p.Arg414Alafs*40)) variant in APC is a frameshift variant located between codon 49 and 2645 predicted to cause a premature stop codon in exon 10 in a gene in which loss-of-function is an established disease mechanism (PVS1). It is listed once each in ClinVar and the APC InSiGHT LOVD, without informative clinical or phenotypic data. The variant is not reported in gnomAD (PM2_supporting). In summary, this variant meets the criteria to be classified as Likely Pathogenic for FAP based on the ACMG/AMP criteria applied, as specified by the ClinGen InSiGHT Hereditary Colorectal Cancer/Polyposis Variant Curation Expert Panel: PVS1 and PM2_Supporting (VCEP specifications version 1; date of approval: 12/12/2022).

Labcorp Genetics (formerly Invitae), Labcorp
Classification: Pathogenic for Familial adenomatous polyposis 1. Last evaluated: 2025-09-10. Review status: criteria provided, single submitter. Criteria: Invitae Variant Classification Sherloc (09022015). Collection method: clinical testing. Allele origin: germline. Not counted in ClinVar's aggregate classification.
Comment: This sequence change creates a premature translational stop signal (p.Arg414Alafs*40) in the APC gene. It is expected to result in an absent or disrupted protein product. Loss-of-function variants in APC are known to be pathogenic (PMID: 17963004, 20685668). This variant is not present in population databases (gnomAD no frequency). This variant has not been reported in the literature in individuals affected with APC-related conditions. ClinVar contains an entry for this variant (Variation ID: 438864). For these reasons, this variant has been classified as Pathogenic.

Myriad Genetics, Inc.
Classification: Pathogenic for Familial adenomatous polyposis 1. Last evaluated: 2023-04-28. Review status: criteria provided, single submitter. Criteria: Myriad Autosomal Dominant, Autosomal Recessive and X-Linked Classification Criteria (2023). Collection method: clinical testing. Allele origin: unknown. Not counted in ClinVar's aggregate classification.
Comment: This variant is considered pathogenic. This variant creates a frameshift predicted to result in premature protein truncation.

Quest Diagnostics Nichols Institute San Juan Capistrano
Classification: Likely pathogenic. Last evaluated: 2017-06-27. Review status: criteria provided, single submitter. Criteria: Quest Diagnostics criteria. Collection method: clinical testing. Allele origin: germline. Not counted in ClinVar's aggregate classification.

Literature cited by the submitters: PubMed 17963004 (cited by Labcorp Genetics (formerly Invitae), Labcorp); PubMed 20685668 (cited by Labcorp Genetics (formerly Invitae), Labcorp).

NM_000038.6(APC):c.1240del (p.Arg414fs)

Gene: APC (APC regulator of Wnt signaling pathway; plus strand). Cytogenetic location: 5q22.2.
Variant type: Deletion.
Coding change: c.1240del on transcript NM_000038.6 (MANE Select); coding-DNA position 1240, one base deleted (C; older notation c.1240delC).
Protein change: p.Arg414fs; shifts the reading frame from arginine 414.
Molecular consequence: frameshift variant.
Genome position (GRCh38, 1-based): chr5:112,819,272, C deleted. VCF-style (leftmost placement, unchanged base first): chr5-112819271-AC-A. GRCh37 (hg19) VCF-style: chr5-112154968-AC-A.
Other names: NM_000038.6(APC):c.1240del; p.Arg414fs; c.1240del, p.Arg414fs (NM_001127510.3, NM_001354895.2, NM_001354896.2); c.1186del, p.Arg396fs (NM_001127511.3); c.1270del, p.Arg424fs (NM_001354897.2); c.1165del, p.Arg389fs (NM_001354898.2); c.1156del, p.Arg386fs (NM_001354899.2); c.1063del, p.Arg355fs (NM_001354900.2, NM_001354901.2); and 5 more; short protein forms R131fs, R323fs, R254fs, R288fs, R389fs, R396fs, R424fs, R313fs.
Identifiers: ClinVar variation 438864 (VCV000438864.9), dbSNP rs1554080082, ClinGen allele CA645509160.